The following is an entry in ClinVar:

NM_001282426.2(PIK3CG):c.2545C>T (p.Arg849Ter)

Gene: PIK3CG (phosphatidylinositol-4,5-bisphosphate 3-kinase catalytic subunit gamma; plus strand). Cytogenetic location: 7q22.3.
Variant type: single nucleotide variant.
Coding change: c.2545C>T on transcript NM_001282426.2 (MANE Select); coding-DNA position 2545, C replaced by T.
Protein change: p.Arg849Ter; replaces arginine 849 with a stop codon.
Molecular consequence: nonsense.
Genome position (GRCh38, 1-based): chr7:106,882,123, C>T. VCF-style: chr7-106882123-C-T. GRCh37 (hg19) VCF-style: chr7-106522568-C-T.
Other names: c.2545C>T, p.Arg849Ter (NM_001282427.2, NM_002649.3); short protein forms R849*.
Identifiers: ClinVar variation 3257910 (VCV003257910.4).
Genomic context (GRCh38, chr7:106,882,123, plus strand): 5'-ATATATTAAGTTAATATATATATAATATAAACATTTCTGTGTTTCGATGCCCAGATTCTA[C>T]GAATCATGGAGTCTATTTGGGAGACTGAATCTTTGGATCTATGCCTCCTGCCATATGGTT-3'

ClinVar aggregate classification (germline): Conflicting classifications of pathogenicity. Review status: criteria provided, conflicting classifications (1 of 4 stars). 2 submissions from 2 submitters: Likely pathogenic (1); Uncertain significance (1). Last evaluated 2023-12-14.
ClinVar aggregate classification (oncogenicity): Uncertain significance (1 of 4 stars; one submission).

Conditions:
Immunodeficiency 97 with autoinflammation (IMD97). Identifiers: MedGen C5676946, MONDO:0030717, OMIM 619802.
Neoplasm. Also called: tumor; Neoplasms; Neoplasm (disease). Identifiers: MedGen C0027651, MeSH D009369, MONDO:0005070, HP:0002664.

gnomAD v4.1: 83 of 1,469,732 alleles (0.0056%); highest among the groups gnomAD compares: Non-Finnish European, 0.0074%; no homozygotes.

Submissions (3):

Center for Genomic Medicine, Rigshospitalet, Copenhagen University Hospital
Classification: Uncertain significance for Neoplasm. Last evaluated: 2025-03-04. Review status: criteria provided, single submitter. Criteria: ClinGen/CGC/VICC Guidelines for Oncogenicity, 2022. Collection method: clinical testing. Allele origin: somatic. Affected: yes.

Laboratorio de Genetica e Diagnostico Molecular, Hospital Israelita Albert Einstein
Classification: Uncertain significance for Immunodeficiency 97 with autoinflammation. Last evaluated: 2023-12-14. Review status: criteria provided, single submitter. Criteria: ACMG Guidelines, 2015. Collection method: clinical testing. Allele origin: germline. Affected: yes.
Comment: ACMG classification criteria: PM2 moderate

Department of Pathology and Laboratory Medicine, Sinai Health System
Classification: Likely pathogenic for Immunodeficiency 97 with autoinflammation. Last evaluated: 2023-03-28. Review status: criteria provided, single submitter. Criteria: ACMG Guidelines, 2015. Collection method: research. Allele origin: germline.

Literature cited by the submitters: PubMed 25785104 (cited by Center for Genomic Medicine, Rigshospitalet, Copenhagen University Hospital); PubMed 32589349 (cited by Center for Genomic Medicine, Rigshospitalet, Copenhagen University Hospital); PubMed 25360116 (cited by Center for Genomic Medicine, Rigshospitalet, Copenhagen University Hospital).